The following is an entry in ClinVar:

NM_000271.5(NPC1):c.2509A>G (p.Ile837Val)

Gene: NPC1 (NPC intracellular cholesterol transporter 1; minus strand). Cytogenetic location: 18q11.2.
Variant type: single nucleotide variant.
Coding change: c.2509A>G on transcript NM_000271.5 (MANE Select); coding-DNA position 2509, A replaced by G.
Protein change: p.Ile837Val; replaces isoleucine 837 with valine.
Molecular consequence: missense variant.
Genome position (GRCh38, 1-based): chr18:23,541,073, T>C on the plus strand (A>G on the coding strand, the complement: NPC1 is on the minus strand). VCF-style: chr18-23541073-T-C. GRCh37 (hg19) VCF-style: chr18-21121037-T-C.
Other names: p.Ile837Val; short protein forms I837V.
Identifiers: ClinVar variation 1466844 (VCV001466844.10), dbSNP rs756239485, ClinGen allele CA8913083.

ClinVar aggregate classification (germline): Uncertain significance. Review status: criteria provided, multiple submitters, no conflicts (2 of 4 stars). 2 submissions from 2 submitters: Uncertain significance (2). Last evaluated 2024-01-25.

Conditions:
Niemann-Pick disease, type C1. Also called: NIEMANN-PICK DISEASE, VARIANT TYPE C1; NEUROVISCERAL STORAGE DISEASE WITH VERTICAL SUPRANUCLEAR OPHTHALMOPLEGIA; NIEMANN-PICK DISEASE WITH CHOLESTEROL ESTERIFICATION BLOCK; NIEMANN-PICK DISEASE WITHOUT SPHINGOMYELINASE DEFICIENCY; NIEMANN-PICK DISEASE, CHRONIC NEURONOPATHIC FORM. Identifiers: Orphanet 646, MedGen C3179455, MONDO:0009757, OMIM 257220.

Allele frequency attached by ClinVar (database versions not stated): gnomAD exomes below 0.00001; ExAC 0.00001; gnomAD 0.00001.
gnomAD v4.1: 23 of 1,614,078 alleles (0.0014%); highest among the groups gnomAD compares: South Asian, 0.0044%; no homozygotes.

Submissions (2):

Foundation for Research in Genetics and Endocrinology, FRIGE's Institute of Human Genetics
Classification: Uncertain significance for Niemann-Pick disease, type C1. Last evaluated: 2024-01-25. Review status: criteria provided, single submitter. Criteria: ACMG Guidelines, 2015. Collection method: clinical testing. Allele origin: germline. Inheritance: Autosomal recessive inheritance. Affected: yes. Observed: 1 homozygote.
Comment: A homozygous variant in exon 16 of the NPC1 gene that results in the amino acid substitution of valine for isoleucine at codon 837 was detected. The observed variant c.2509A>G has not been reported in the 1000 genomes database and has MAF of 0.0004% in gnomAD databases. The in silico predictions of the variant is damaging by MutationTaster and DANN. In summary, the variant meets our criteria to be classified as variant of uncertain significance.

Labcorp Genetics (formerly Invitae), Labcorp
Classification: Uncertain significance for Niemann-Pick disease, type C1. Last evaluated: 2022-03-19. Review status: criteria provided, single submitter. Criteria: Invitae Variant Classification Sherloc (09022015). Collection method: clinical testing. Allele origin: germline.
Comment: In summary, the available evidence is currently insufficient to determine the role of this variant in disease. Therefore, it has been classified as a Variant of Uncertain Significance. Advanced modeling of protein sequence and biophysical properties (such as structural, functional, and spatial information, amino acid conservation, physicochemical variation, residue mobility, and thermodynamic stability) performed at Invitae indicates that this missense variant is not expected to disrupt NPC1 protein function. This missense change has been observed in individual(s) with late-infantile Niemann-Pick disease type C (PMID: 22676771). This variant is present in population databases (rs756239485, gnomAD 0.0009%). This sequence change replaces isoleucine, which is neutral and non-polar, with valine, which is neutral and non-polar, at codon 837 of the NPC1 protein (p.Ile837Val).

Literature cited by the submitters: PubMed 22676771 (cited by Labcorp Genetics (formerly Invitae), Labcorp).